The following is an entry in ClinVar:

NM_000179.3(MSH6):c.1678T>G (p.Phe560Val)

Gene: MSH6 (mutS homolog 6; plus strand). Cytogenetic location: 2p16.3.
Variant type: single nucleotide variant.
Coding change: c.1678T>G on transcript NM_000179.3 (MANE Select); coding-DNA position 1678, T replaced by G.
Protein change: p.Phe560Val; replaces phenylalanine 560 with valine.
Molecular consequence: missense variant.
Genome position (GRCh38, 1-based): chr2:47,799,661, T>G. VCF-style: chr2-47799661-T-G. GRCh37 (hg19) VCF-style: chr2-48026800-T-G.
Other names: c.1288T>G, p.Phe430Val (NM_001281492.2); c.772T>G, p.Phe258Val (NM_001281493.2, NM_001281494.2); short protein forms F560V, F258V, F430V.
Identifiers: ClinVar variation 955599 (VCV000955599.11), dbSNP rs863224617, ClinGen allele CA346747455.

ClinVar aggregate classification (germline): Uncertain significance. Review status: criteria provided, multiple submitters, no conflicts (2 of 4 stars). 2 submissions from 2 submitters: Uncertain significance (2). Last evaluated 2025-05-14.

Conditions:
Hereditary nonpolyposis colorectal neoplasms. Identifiers: MedGen C0009405, MeSH D003123.

Submissions (2):

Labcorp Genetics (formerly Invitae), Labcorp
Classification: Uncertain significance for Hereditary nonpolyposis colorectal neoplasms. Last evaluated: 2025-05-14. Review status: criteria provided, single submitter. Criteria: Invitae Variant Classification Sherloc (09022015). Collection method: clinical testing. Allele origin: germline.
Comment: This sequence change replaces phenylalanine, which is neutral and non-polar, with valine, which is neutral and non-polar, at codon 560 of the MSH6 protein (p.Phe560Val). This variant is not present in population databases (gnomAD no frequency). This variant has not been reported in the literature in individuals affected with MSH6-related conditions. ClinVar contains an entry for this variant (Variation ID: 955599). Invitae Evidence Modeling of protein sequence and biophysical properties (such as structural, functional, and spatial information, amino acid conservation, physicochemical variation, residue mobility, and thermodynamic stability) has been performed for this missense variant. However, the output from this modeling did not meet the statistical confidence thresholds required to predict the impact of this variant on MSH6 protein function. In summary, the available evidence is currently insufficient to determine the role of this variant in disease. Therefore, it has been classified as a Variant of Uncertain Significance.

GeneDx
Classification: Uncertain significance. Last evaluated: 2023-05-17. Review status: criteria provided, single submitter. Criteria: GeneDx Variant Classification Process June 2021. Collection method: clinical testing. Allele origin: germline. Affected: yes.
Comment: Not observed at significant frequency in large population cohorts (gnomAD); In silico analysis supports that this missense variant has a deleterious effect on protein structure/function; Has not been previously published as pathogenic or benign to our knowledge; This variant is associated with the following publications: (PMID: 17531815, 21120944)